The following is an entry in ClinVar:

ClinVar aggregate classification (germline): Likely benign (1 of 4 stars; one submission).

gnomAD v4.1: 4 of 1,612,414 alleles (0.00025%); highest among the groups gnomAD compares: Middle Eastern, 0.02%; no homozygotes.

Submission:

CeGaT Center for Human Genetics Tuebingen
Classification: Likely benign. Last evaluated: 2025-11-01. Review status: criteria provided, single submitter. Criteria: CeGaT Center For Human Genetics Tuebingen Variant Classification Criteria Version 2. Collection method: clinical testing. Allele origin: germline. Affected: yes. Observed: 1 variant allele.
Comment: ELOA2: BP4, BP7

NM_016427.3(ELOA2):c.471C>T (p.Cys157=)

Genes: ELOA2 (elongin A2; minus strand), KATNAL2 (katanin catalytic subunit A1 like 2; plus strand). Cytogenetic location: 18q21.1.
Variant type: single nucleotide variant.
Coding change: c.471C>T on transcript NM_016427.3 (MANE Select); coding-DNA position 471, C replaced by T.
Protein change: p.Cys157=; no amino-acid change (cysteine 157 retained).
Molecular consequence: synonymous variant. On other transcripts: intron variant (14).
Genome position (GRCh38, 1-based): chr18:47,034,794, G>A on the plus strand (C>T on the coding strand, the complement: ELOA2 is on the minus strand). VCF-style: chr18-47034794-G-A. GRCh37 (hg19) VCF-style: chr18-44561165-G-A.
Other names: c.-1-23441G>A (NM_001353904.1, NM_001353903.1, NM_001353907.1 and 3 more transcripts); c.130-11663G>A (NM_001353899.1, NM_001353900.1, NM_001353902.1); c.52-11663G>A (NM_001353901.1, NM_001387690.1, NM_001367621.1); c.-294-11663G>A (NM_001353905.1); c.-94-18086G>A (NM_031303.3).
Identifiers: ClinVar variation 4534167 (VCV004534167.6).
Genomic context (GRCh38, chr18:47,034,794, plus strand): 5'-GGGAGCTGTGCGCGTTGGAGAGGCCCGATAGCGGCCGGAATCAGCTGGGGCTATTCTGGG[G>A]CACTTTCTCTCAGCTCTGGGCTCGCGACTGTGAGACCTCGGGTGAGGTCTCTGTTGCCCC-3'
Protein context (NP_057511.2, residues 147-167): HSREPRAERK[Cys157=]PRIAPADSGR